The following is an entry in ClinVar:

ClinVar aggregate classification (germline): Benign. Review status: criteria provided, multiple submitters, no conflicts (2 of 4 stars). 2 submissions from 2 submitters: Benign (2). Last evaluated 2026-02-04.

Allele frequency attached by ClinVar (database versions not stated): gnomAD 0.22152 and 0.22247; gnomAD exomes 0.25546 and 0.27630; TOPMed 0.22143; 1000 Genomes Project 30x 0.18067; ESP Exome Variant Server 0.20460; ExAC 0.27395.
gnomAD v4.1: 425,493 of 1,575,604 alleles (27%); highest among the groups gnomAD compares: Admixed American, 39%; 61,665 homozygotes.

Submissions (2):

Labcorp Genetics (formerly Invitae), Labcorp
Classification: Benign. Last evaluated: 2026-02-04. Review status: criteria provided, single submitter. Criteria: Invitae Variant Classification Sherloc (09022015). Collection method: clinical testing. Allele origin: germline.

GeneDx
Classification: Benign. Last evaluated: 2013-08-29. Review status: criteria provided, single submitter. Criteria: GeneDx Variant Classification (06012015). Collection method: clinical testing. Allele origin: germline. Affected: yes.
Comment: This variant is considered likely benign or benign based on one or more of the following criteria: it is a conservative change, it occurs at a poorly conserved position in the protein, it is predicted to be benign by multiple in silico algorithms, and/or has population frequency not consistent with disease.

NM_020117.11(LARS1):c.648A>C (p.Ser216=)

Gene: LARS1 (leucyl-tRNA synthetase 1; minus strand). Cytogenetic location: 5q32.
Variant type: single nucleotide variant.
Coding change: c.648A>C on transcript NM_020117.11 (MANE Select); coding-DNA position 648, A replaced by C.
Protein change: p.Ser216=; no amino-acid change (serine 216 retained).
Molecular consequence: synonymous variant.
Genome position (GRCh38, 1-based): chr5:146,160,433, T>G on the plus strand (A>C on the coding strand, the complement: LARS1 is on the minus strand). VCF-style: chr5-146160433-T-G. GRCh37 (hg19) VCF-style: chr5-145539996-T-G.
Other names: p.S216S:TCA>TCC; c.510A>C, p.Ser170= (NM_001317964.2); c.486A>C, p.Ser162= (NM_001317965.2); c.567A>C, p.Ser189= (NM_016460.4).
Identifiers: ClinVar variation 138083 (VCV000138083.9), dbSNP rs11540214, ClinGen allele CA291878.